The following is an entry in ClinVar:

NM_198576.4(AGRN):c.2681-10C>T

Gene: AGRN (agrin; plus strand). Cytogenetic location: 1p36.33.
Variant type: single nucleotide variant.
Coding change: c.2681-10C>T on transcript NM_198576.4 (MANE Select); 10 bases into the intron before coding-DNA position 2681, C replaced by T.
Molecular consequence: intron variant.
Genome position (GRCh38, 1-based): chr1:1,045,954, C>T. VCF-style: chr1-1045954-C-T. GRCh37 (hg19) VCF-style: chr1-981334-C-T.
Other names: c.2681-10C>T (NM_001305275.2); c.2366-10C>T (NM_001364727.2).
Identifiers: ClinVar variation 703629 (VCV000703629.14), dbSNP rs368080332, ClinGen allele CA508766.

ClinVar aggregate classification (germline): Likely benign. Review status: criteria provided, single submitter (1 of 4 stars). 2 submissions from 2 submitters: Likely benign (1). 1 of the submissions does not count toward it. Last evaluated 2025-10-19.

Conditions:
AGRN-related disorder. Also called: AGRN-related condition.
Congenital myasthenic syndrome 8. Also called: MYASTHENIC SYNDROME, CONGENITAL, DUE TO AGRIN DEFICIENCY; Myasthenic syndrome, congenital, 8, with pre- and postsynaptic defects. Identifiers: Orphanet 590, MedGen C3808739, MONDO:0014052, OMIM 615120.

Allele frequency attached by ClinVar (database versions not stated): ExAC 0.00004; gnomAD exomes 0.00004 and 0.00006; ESP Exome Variant Server 0.00008; gnomAD 0.00011 and 0.00014; 1000 Genomes Project 0.00020; TOPMed 0.00030; 1000 Genomes Project 30x 0.00031.
gnomAD v4.1: 104 of 1,613,310 alleles (0.0064%); highest among the groups gnomAD compares: Admixed American, 0.043%; no homozygotes.

Submissions (2):

Labcorp Genetics (formerly Invitae), Labcorp
Classification: Likely benign for Congenital myasthenic syndrome 8. Last evaluated: 2025-10-19. Review status: criteria provided, single submitter. Criteria: Invitae Variant Classification Sherloc (09022015). Collection method: clinical testing. Allele origin: germline.

PreventionGenetics, part of Exact Sciences
Classification: Likely benign for AGRN-related condition. Last evaluated: 2019-06-19. Review status: no assertion criteria provided. Collection method: clinical testing. Allele origin: germline. Not counted in ClinVar's aggregate classification.
Comment: This variant is classified as likely benign based on ACMG/AMP sequence variant interpretation guidelines (Richards et al. 2015 PMID: 25741868, with internal and published modifications).